The following is an entry in ClinVar:

ClinVar aggregate classification (germline): Conflicting classifications of pathogenicity. Review status: criteria provided, conflicting classifications (1 of 4 stars). 3 submissions from 3 submitters: Uncertain significance (2); Likely benign (1). Last evaluated 2025-12-11.

Conditions:
Inborn genetic diseases. Identifiers: MedGen C0950123, MeSH D030342.
Autosomal dominant pseudohypoaldosteronism type 1. Also called: Pseudohypoaldosteronism, Type I, Autosomal Dominant; PHA I, AUTOSOMAL DOMINANT; Pseudohypoaldosteronism, Type I, Dominant. Identifiers: Orphanet 171871, Orphanet 756, MedGen C1449842, MONDO:0008329, OMIM 177735.
Pseudohyperaldosteronism type 2. Identifiers: Orphanet 88660, MedGen C1854631, MONDO:0011517, OMIM 605115.

Allele frequency attached by ClinVar (database versions not stated): gnomAD 0.00009; TOPMed 0.00011; ESP Exome Variant Server 0.00015; ExAC 0.00022.
gnomAD v4.1: 185 of 1,417,192 alleles (0.013%); highest among the groups gnomAD compares: Non-Finnish European, 0.014%; no homozygotes.

Submissions (3):

Ambry Genetics
Classification: Uncertain significance for Inborn genetic diseases. Last evaluated: 2025-12-11. Review status: criteria provided, single submitter. Criteria: Ambry Variant Classification Scheme 2023. Collection method: clinical testing. Allele origin: germline.

Department of Pathology and Laboratory Medicine, Sinai Health System
Classification: Uncertain significance for Autosomal dominant pseudohypoaldosteronism type 1; Pseudohyperaldosteronism type 2. Last evaluated: 2020-08-27. Review status: criteria provided, single submitter. Criteria: ACMG Guidelines, 2015. Collection method: research. Allele origin: germline.

Illumina Laboratory Services, Illumina
Classification: Likely benign for Autosomal dominant pseudohypoaldosteronism type 1. Last evaluated: 2018-01-13. Review status: criteria provided, single submitter. Criteria: ICSL Variant Classification Criteria 13 December 2019. Collection method: clinical testing. Allele origin: germline.
Comment: This variant was observed in the ICSL laboratory as part of a predisposition screen in an ostensibly healthy population. It had not been previously curated by ICSL or reported in the Human Gene Mutation Database (HGMD: prior to June 1st, 2018), and was therefore a candidate for classification through an automated scoring system. Utilizing variant allele frequency, disease prevalence and penetrance estimates, and inheritance mode, an automated score was calculated to assess if this variant is too frequent to cause the disease. Based on the score and internal cut-off values, a variant classified as likely benign is not then subjected to further curation. The score for this variant resulted in a classification of likely benign for this disease.

NM_000901.5(NR3C2):c.2087C>T (p.Pro696Leu)

Gene: NR3C2 (nuclear receptor subfamily 3 group C member 2; minus strand). Cytogenetic location: 4q31.23.
Variant type: single nucleotide variant.
Coding change: c.2087C>T on transcript NM_000901.5 (MANE Select); coding-DNA position 2087, C replaced by T.
Protein change: p.Pro696Leu; replaces proline 696 with leucine.
Molecular consequence: missense variant. On other transcripts: intron variant (2).
Genome position (GRCh38, 1-based): chr4:148,154,829, G>A on the plus strand (C>T on the coding strand, the complement: NR3C2 is on the minus strand). VCF-style: chr4-148154829-G-A. GRCh37 (hg19) VCF-style: chr4-149075980-G-A.
Other names: c.2015-2216C>T (NM_001354819.1, NM_001166104.2); short protein forms P696L.
Identifiers: ClinVar variation 347725 (VCV000347725.8), dbSNP rs368322580, ClinGen allele CA3100176.